The following is an entry in ClinVar:

ClinVar aggregate classification (germline): Conflicting classifications of pathogenicity. Review status: criteria provided, conflicting classifications (1 of 4 stars). 2 submissions from 2 submitters: Uncertain significance (1); Likely benign (1). Last evaluated 2023-03-23.

Conditions:
Hereditary cancer-predisposing syndrome. Also called: Tumor predisposition; Hereditary Cancer Syndrome; Neoplastic Syndromes, Hereditary; Hereditary neoplastic syndrome. Identifiers: Orphanet 140162, MedGen C0027672, MeSH D009386, MONDO:0015356.

Allele frequency attached by ClinVar (database versions not stated): gnomAD exomes below 0.00001.
gnomAD v4.1: 1 of 1,612,342 alleles (0.000062%); highest among the groups gnomAD compares: Non-Finnish European, 0.000085%; no homozygotes.

Submissions (2):

University of Washington Department of Laboratory Medicine, University of Washington
Classification: Likely benign for Hereditary cancer-predisposing syndrome. Last evaluated: 2023-03-23. Review status: criteria provided, single submitter. Criteria: Dines et al. (Genet Med. 2020). Collection method: curation. Allele origin: germline.
Comment: Missense variant in a coldspot region where missense variants are very unlikely to be pathogenic (PMID:31911673).

BRCA2 exon 11 coldspot. Reclassification based on statistical prior probability.

Ambry Genetics
Classification: Uncertain significance for Hereditary cancer-predisposing syndrome. Last evaluated: 2021-07-07. Review status: criteria provided, single submitter. Criteria: Ambry Variant Classification Scheme 2023. Collection method: clinical testing. Allele origin: germline.
Comment: The p.V959A variant (also known as c.2876T>C), located in coding exon 10 of the BRCA2 gene, results from a T to C substitution at nucleotide position 2876. The valine at codon 959 is replaced by alanine, an amino acid with similar properties. This amino acid position is poorly conserved in available vertebrate species. In addition, this alteration is predicted to be tolerated by in silico analysis. Since supporting evidence is limited at this time, the clinical significance of this alteration remains unclear.

NM_000059.4(BRCA2):c.2876T>C (p.Val959Ala)

Gene: BRCA2 (BRCA2 DNA repair associated; plus strand). Cytogenetic location: 13q13.1.
Variant type: single nucleotide variant.
Coding change: c.2876T>C on transcript NM_000059.4 (MANE Select); coding-DNA position 2876, T replaced by C.
Protein change: p.Val959Ala; replaces valine 959 with alanine.
Molecular consequence: missense variant.
Genome position (GRCh38, 1-based): chr13:32,337,231, T>C. VCF-style: chr13-32337231-T-C. GRCh37 (hg19) VCF-style: chr13-32911368-T-C.
Other names: c.2876T>C, p.Val959Ala (NM_001406719.1, NM_001406720.1); short protein forms V959A.
Identifiers: ClinVar variation 1797106 (VCV001797106.4), dbSNP rs2548524801, ClinGen allele CA387774053.